The following is an entry in ClinVar:

NM_000083.3(CLCN1):c.200_215del (p.Glu67fs)

Gene: CLCN1 (chloride voltage-gated channel 1; plus strand). Cytogenetic location: 7q34.
Variant type: Deletion.
Coding change: c.200_215del on transcript NM_000083.3 (MANE Select); coding-DNA positions 200 to 215, 16 bases deleted (AACAATTCTCAGACAG).
Protein change: p.Glu67fs; shifts the reading frame from glutamic acid 67.
Molecular consequence: frameshift variant. On other transcripts: non-coding transcript variant (1).
Genome position (GRCh38, 1-based): chr7:143,319,774-143,319,789, AACAATTCTCAGACAG deleted; deleting any 16 consecutive bases within chr7:143,319,772-143,319,789 gives the same sequence; the c. name uses the placement nearest the transcript's 3' end. VCF-style (leftmost placement, unchanged base first): chr7-143319771-AAGAACAATTCTCAGAC-A. GRCh37 (hg19) VCF-style: chr7-143016864-AAGAACAATTCTCAGAC-A.
Other names: short protein forms E67fs.
Identifiers: ClinVar variation 1075850 (VCV001075850.7), dbSNP rs2116834548, ClinGen allele CA2499218765.

ClinVar aggregate classification (germline): Pathogenic (1 of 4 stars; one submission).

Conditions:
Congenital myotonia, autosomal dominant form (THD). Also called: THOMSEN DISEASE; Myotonia congenita autosomal dominant. Identifiers: Orphanet 614, MedGen C2936781, MONDO:0008055, OMIM 160800.
Congenital myotonia, autosomal recessive form. Also called: Becker Generalized Myotonia; myotonia congenita, autosomal recessive; BECKER DISEASE. Identifiers: Orphanet 614, MedGen C0751360, MONDO:0009715, OMIM 255700.

Submission:

Labcorp Genetics (formerly Invitae), Labcorp
Classification: Pathogenic for Congenital myotonia, autosomal recessive form; Congenital myotonia, autosomal dominant form. Last evaluated: 2025-10-05. Review status: criteria provided, single submitter. Criteria: Invitae Variant Classification Sherloc (09022015). Collection method: clinical testing. Allele origin: germline.
Comment: This sequence change creates a premature translational stop signal (p.Glu67Glyfs*5) in the CLCN1 gene. It is expected to result in an absent or disrupted protein product. Loss-of-function variants in CLCN1 are known to be pathogenic (PMID: 17932099, 22094069, 23739125). This variant is not present in population databases (gnomAD no frequency). This variant has not been reported in the literature in individuals affected with CLCN1-related conditions. ClinVar contains an entry for this variant (Variation ID: 1075850). For these reasons, this variant has been classified as Pathogenic.

Literature cited by the submitters: PubMed 17932099; PubMed 22094069; PubMed 23739125.